The following is an entry in ClinVar:

ClinVar aggregate classification (germline): Pathogenic. Review status: criteria provided, multiple submitters, no conflicts (2 of 4 stars). 2 submissions from 2 submitters: Pathogenic (2). Last evaluated 2026-03-23.

Conditions:
Hypertrophic cardiomyopathy. Also called: HYPERTROPHIC MYOCARDIOPATHY. Identifiers: Orphanet 217569, MedGen C0007194, MeSH D002312, MONDO:0005045, HP:0001639.

Submissions (2):

GeneDx
Classification: Pathogenic. Last evaluated: 2026-03-23. Review status: criteria provided, single submitter. Criteria: GeneDx Variant Classification Process June 2021. Collection method: clinical testing. Allele origin: germline.
Comment: Has not been previously published as pathogenic or benign to our knowledge; Not observed at significant frequency in large population cohorts (gnomAD); Canonical splice site variant predicted to result in a null allele in a gene for which loss-of-function is a known mechanism of disease

Labcorp Genetics (formerly Invitae), Labcorp
Classification: Pathogenic for Hypertrophic cardiomyopathy. Last evaluated: 2023-11-09. Review status: criteria provided, single submitter. Criteria: Invitae Variant Classification Sherloc (09022015). Collection method: clinical testing. Allele origin: germline.
Comment: This sequence change affects an acceptor splice site in intron 16 of the MYBPC3 gene. It is expected to disrupt RNA splicing. Variants that disrupt the donor or acceptor splice site typically lead to a loss of protein function (PMID: 16199547), and loss-of-function variants in MYBPC3 are known to be pathogenic (PMID: 19574547). This variant is not present in population databases (gnomAD no frequency). Disruption of this splice site has been observed in individuals with hypertrophic cardiomyopathy (PMID: 22178992; Invitae). ClinVar contains an entry for this variant (Variation ID: 949225). Algorithms developed to predict the effect of sequence changes on RNA splicing suggest that this variant may disrupt the consensus splice site. For these reasons, this variant has been classified as Pathogenic.

Literature cited by the submitters: PubMed 16199547 (cited by Labcorp Genetics (formerly Invitae), Labcorp); PubMed 19574547 (cited by Labcorp Genetics (formerly Invitae), Labcorp); PubMed 22178992 (cited by Labcorp Genetics (formerly Invitae), Labcorp).

NM_000256.3(MYBPC3):c.1458-1G>T

Gene: MYBPC3 (myosin binding protein C3; minus strand). Cytogenetic location: 11p11.2.
Variant type: single nucleotide variant.
Coding change: c.1458-1G>T on transcript NM_000256.3 (MANE Select); the canonical splice acceptor site of the intron before coding-DNA position 1458, G replaced by T.
Molecular consequence: splice acceptor variant.
Genome position (GRCh38, 1-based): chr11:47,342,745, C>A on the plus strand (G>T on the coding strand, the complement: MYBPC3 is on the minus strand). VCF-style: chr11-47342745-C-A. GRCh37 (hg19) VCF-style: chr11-47364296-C-A.
Identifiers: ClinVar variation 949225 (VCV000949225.11), dbSNP rs397515903, ClinGen allele CA380325310.
Genomic context (GRCh38, chr11:47,342,745, plus strand): 5'-TCCTTCTTGAACCGGTATTTGAAGGTCTCCTCCCGGGTCAGCTCCACCCCGTCCTTCAGC[C>A]TAGCCGGGTGGGTGGGTGGCAAGTGCTGTGGCCTCTTCTGGGCAGATGCCCCCAACACCC-3'